The following is an entry in ClinVar:

ClinVar aggregate classification (germline): Uncertain significance (1 of 4 stars; one submission).

Conditions:
Hereditary cancer-predisposing syndrome. Also called: Neoplastic Syndromes, Hereditary; Tumor predisposition; Hereditary Cancer Syndrome; Hereditary neoplastic syndrome. Identifiers: Orphanet 140162, MedGen C0027672, MeSH D009386, MONDO:0015356.

Submission:

Ambry Genetics
Classification: Uncertain significance for Hereditary cancer-predisposing syndrome. Last evaluated: 2025-11-15. Review status: criteria provided, single submitter. Criteria: Ambry Variant Classification Scheme 2023. Collection method: clinical testing. Allele origin: germline.
Comment: The p.I9L variant (also known as c.25A>T), located in coding exon 1 of the CTNNA1 gene, results from an A to T substitution at nucleotide position 25. The isoleucine at codon 9 is replaced by leucine, an amino acid with highly similar properties. This amino acid position is conserved. In addition, this alteration is predicted to be tolerated by in silico analysis. Based on the available evidence, the clinical significance of this variant remains unclear.

NM_001903.5(CTNNA1):c.25A>T (p.Ile9Leu)

Gene: CTNNA1 (catenin alpha 1; plus strand). Cytogenetic location: 5q31.2.
Variant type: single nucleotide variant.
Coding change: c.25A>T on transcript NM_001903.5 (MANE Select); coding-DNA position 25, A replaced by T.
Protein change: p.Ile9Leu; replaces isoleucine 9 with leucine.
Molecular consequence: missense variant. On other transcripts: 5 prime UTR variant (2).
Genome position (GRCh38, 1-based): chr5:138,781,949, A>T. VCF-style: chr5-138781949-A-T. GRCh37 (hg19) VCF-style: chr5-138117638-A-T.
Other names: c.25A>T, p.Ile9Leu (NM_001290307.3, NM_001323982.2, NM_001323983.1 and 3 more transcripts); c.-89A>T (NM_001290309.3); c.-182A>T (NM_001290310.3); short protein forms I9L.
Identifiers: ClinVar variation 4635548 (VCV004635548.1).
Genomic context (GRCh38, chr5:138,781,949, plus strand): 5'-TGTTTGCCTGACTGACTTTTTGTTTCTTATTTAGAAATGACTGCTGTCCATGCAGGCAAC[A>T]TAAACTTCAAGTGGGATCCTAAAAGTCTAGAGATCAGGACTCTGGCAGTTGAGAGACTGT-3'
Protein context (NP_001894.2, residues 1-19): MTAVHAGN[Ile9Leu]NFKWDPKSLE